The following is an entry in ClinVar:

ClinVar aggregate classification (germline): Likely pathogenic (1 of 4 stars; one submission).

Conditions:
Developmental and epileptic encephalopathy, 27 (DEE27). Also called: GRIN2B-Related Neurodevelopmental Disorder; Epileptic encephalopathy, early infantile, 27. Identifiers: Orphanet 3451, MedGen C4015316, MONDO:0014505, OMIM 616139.

Submission:

Institute of Human Genetics, University of Leipzig Medical Center
Classification: Likely pathogenic for Developmental and epileptic encephalopathy, 27. Last evaluated: 2020-11-30. Review status: criteria provided, single submitter. Criteria: ACMG Guidelines, 2015. Collection method: clinical testing. Allele origin: de novo. Affected: yes.
Comment: This variant was identified as de novo (maternity and paternity confirmed).

NM_000834.5(GRIN2B):c.2197G>C (p.Ala733Pro)

Gene: GRIN2B (glutamate ionotropic receptor NMDA type subunit 2B; minus strand). Cytogenetic location: 12p13.1.
Variant type: single nucleotide variant.
Coding change: c.2197G>C on transcript NM_000834.5 (MANE Select); coding-DNA position 2197, G replaced by C.
Protein change: p.Ala733Pro; replaces alanine 733 with proline.
Molecular consequence: missense variant.
Genome position (GRCh38, 1-based): chr12:13,569,992, C>G on the plus strand (G>C on the coding strand, the complement: GRIN2B is on the minus strand). VCF-style: chr12-13569992-C-G. GRCh37 (hg19) VCF-style: chr12-13722926-C-G.
Other names: short protein forms A733P.
Identifiers: ClinVar variation 1285468 (VCV001285468.1), dbSNP rs2136413399, ClinGen allele CA383998309.